The following is an entry in ClinVar:

ClinVar aggregate classification (germline): Likely benign (1 of 4 stars; one submission).

Submission:

Molecular Diagnostic Laboratory for Inherited Cardiovascular Disease, Montreal Heart Institute
Classification: Likely benign. Last evaluated: 2026-03-27. Review status: criteria provided, single submitter. Criteria: ACMG Guidelines, 2015. Collection method: clinical testing. Allele origin: germline. Affected: no.
Comment: BP7

NM_020778.5(ALPK3):c.534C>A (p.His178Gln)

Gene: ALPK3 (alpha kinase 3; plus strand). Cytogenetic location: 15q25.3.
Variant type: single nucleotide variant.
Coding change: c.534C>A on transcript NM_020778.5 (MANE Select); coding-DNA position 534, C replaced by A.
Protein change: p.His178Gln; replaces histidine 178 with glutamine.
Molecular consequence: missense variant.
Genome position (GRCh38, 1-based): chr15:84,839,813, C>A. VCF-style: chr15-84839813-C-A. GRCh37 (hg19) VCF-style: chr15-85383044-C-A.
Other names: short protein forms H178Q.
Identifiers: ClinVar variation 4820372 (VCV004820372.1).
Genomic context (GRCh38, chr15:84,839,813, plus strand): 5'-GGGCATTGTGTCCTGCTCAGGGGTCCTGGAGGTGGGCACCATGACTGAGTACAAGATCCA[C>A]CAGCGCTGGTTCGCCAAGTTGAAGCGCAAGGCTGCGGCAAAGCTGCGCGAGATCGAGCAG-3'
Protein context (NP_065829.4, residues 168-188): EVGTMTEYKI[His178Gln]QRWFAKLKRK